The following is an entry in ClinVar:

ClinVar aggregate classification (germline): Uncertain significance (1 of 4 stars; one submission).

Submission:

GeneDx
Classification: Uncertain significance. Last evaluated: 2023-06-21. Review status: criteria provided, single submitter. Criteria: GeneDx Variant Classification Process June 2021. Collection method: clinical testing. Allele origin: germline. Affected: yes.
Comment: Not observed at significant frequency in large population cohorts (gnomAD); In silico analysis supports that this missense variant has a deleterious effect on protein structure/function; Has not been previously published as pathogenic or benign to our knowledge

NM_194248.3(OTOF):c.5128A>G (p.Met1710Val)

Genes: OTOF (otoferlin; minus strand), LOC112840921 (BRD4-independent group 4 enhancer GRCh37_chr2:26685720-26686919; plus strand). Cytogenetic location: 2p23.3.
Variant type: single nucleotide variant.
Coding change: c.5128A>G on transcript NM_194248.3 (MANE Select); coding-DNA position 5128, A replaced by G.
Protein change: p.Met1710Val; replaces methionine 1710 with valine.
Molecular consequence: missense variant.
Genome position (GRCh38, 1-based): chr2:26,463,547, T>C on the plus strand (A>G on the coding strand, the complement: OTOF is on the minus strand). VCF-style: chr2-26463547-T-C. GRCh37 (hg19) VCF-style: chr2-26686415-T-C.
Other names: c.5128A>G, p.Met1710Val (NM_001287489.2); c.2827A>G, p.Met943Val (NM_004802.4, NM_194323.3); c.3058A>G, p.Met1020Val (NM_194322.3); short protein forms M1020V, M1710V, M943V.
Identifiers: ClinVar variation 3359984 (VCV003359984.1).